The following is an entry in ClinVar:

ClinVar aggregate classification (germline): Likely benign (0 of 4 stars; one submission).

Conditions:
FSIP2-related disorder. Also called: FSIP2-related condition.

Allele frequency attached by ClinVar (database versions not stated): ESP Exome Variant Server 0.00118; gnomAD exomes 0.00253; gnomAD 0.00365; TOPMed 0.00367; ExAC 0.00556; 1000 Genomes Project 30x 0.00765; 1000 Genomes Project 0.00779.
gnomAD v4.1: 4,210 of 1,610,510 alleles (0.26%); highest among the groups gnomAD compares: East Asian, 2.1%; 63 homozygotes.

Submission:

PreventionGenetics, part of Exact Sciences
Classification: Likely benign for FSIP2-related condition. Last evaluated: 2019-10-22. Review status: no assertion criteria provided. Collection method: clinical testing. Allele origin: germline.
Comment: This variant is classified as likely benign based on ACMG/AMP sequence variant interpretation guidelines (Richards et al. 2015 PMID: 25741868, with internal and published modifications).

NM_173651.4(FSIP2):c.16346C>T (p.Thr5449Ile)

Gene: FSIP2 (fibrous sheath interacting protein 2; plus strand). Cytogenetic location: 2q32.1.
Variant type: single nucleotide variant.
Coding change: c.16346C>T on transcript NM_173651.4 (MANE Select); coding-DNA position 16346, C replaced by T.
Protein change: p.Thr5449Ile; replaces threonine 5449 with isoleucine.
Molecular consequence: missense variant.
Genome position (GRCh38, 1-based): chr2:185,805,652, C>T. VCF-style: chr2-185805652-C-T. GRCh37 (hg19) VCF-style: chr2-186670379-C-T.
Other names: short protein forms T5449I.
Identifiers: ClinVar variation 3060894 (VCV003060894.2), dbSNP rs145367587, ClinGen allele CA2017230.